The following is an entry in ClinVar:

ClinVar aggregate classification (germline): Likely benign. Review status: criteria provided, multiple submitters, no conflicts (2 of 4 stars). 2 submissions from 2 submitters: Likely benign (2). Last evaluated 2025-09-05.

Conditions:
Saldino-Mainzer syndrome (SRTD9). Also called: Renal dysplasia, retinal pigmentary dystrophy, cerebellar ataxia and skeletal dysplasia; short-rib thoracic dysplasia 9 with or without polydactyly; SHORT-RIB THORACIC DYSPLASIA 9 WITHOUT POLYDACTYLY; CONORENAL SYNDROME. Identifiers: Orphanet 140969, MedGen C1849437, MONDO:0009964, OMIM 266920.
IFT140-related disorder. Also called: IFT140-related condition.

Allele frequency attached by ClinVar (database versions not stated): gnomAD 0.00001; gnomAD exomes 0.00002; TOPMed 0.00002.
gnomAD v4.1: 28 of 1,598,206 alleles (0.0018%); highest among the groups gnomAD compares: Middle Eastern, 0.017%; no homozygotes.

Submissions (2):

PreventionGenetics, part of Exact Sciences
Classification: Likely benign for IFT140-related condition. Last evaluated: 2025-09-05. Review status: criteria provided, single submitter. Criteria: ACMG Guidelines, 2015. Collection method: clinical testing. Allele origin: germline.
Comment: This variant is classified as likely benign based on ACMG/AMP sequence variant interpretation guidelines (Richards et al. 2015 PMID: 25741868, with internal and published modifications).

Labcorp Genetics (formerly Invitae), Labcorp
Classification: Likely benign for Saldino-Mainzer syndrome. Last evaluated: 2025-03-07. Review status: criteria provided, single submitter. Criteria: Invitae Variant Classification Sherloc (09022015). Collection method: clinical testing. Allele origin: germline.

NM_014714.4(IFT140):c.3060C>T (p.Tyr1020=)

Genes: IFT140 (intraflagellar transport 140; minus strand), LOC126862260 (CDK7 strongly-dependent group 2 enhancer GRCh37_chr16:1574508-1575707; plus strand). Cytogenetic location: 16p13.3.
Variant type: single nucleotide variant.
Coding change: c.3060C>T on transcript NM_014714.4 (MANE Select); coding-DNA position 3060, C replaced by T.
Protein change: p.Tyr1020=; no amino-acid change (tyrosine 1020 retained).
Molecular consequence: synonymous variant.
Genome position (GRCh38, 1-based): chr16:1,524,633, G>A on the plus strand (C>T on the coding strand, the complement: IFT140 is on the minus strand). VCF-style: chr16-1524633-G-A. GRCh37 (hg19) VCF-style: chr16-1574634-G-A.
Other names: c.3060C>T (NM_014714.3).
Identifiers: ClinVar variation 1615128 (VCV001615128.9), dbSNP rs545658252, ClinGen allele CA7813338.